The following is an entry in ClinVar:

ClinVar aggregate classification (germline): Conflicting classifications of pathogenicity. Review status: criteria provided, conflicting classifications (1 of 4 stars). 6 submissions from 6 submitters: Pathogenic (2); Likely pathogenic (1); Uncertain significance (2). 1 of the submissions does not count toward it. Last evaluated 2025-12-05.

Conditions:
Mitochondrial myopathy, episodic, without optic atrophy and reversible leukoencephalopathy. Identifiers: MedGen C5193222.
FDX2-related disorder. Also called: FDX2-related condition.
Mitochondrial myopathy, episodic, with optic atrophy and reversible leukoencephalopathy. Also called: MITOCHONDRIAL MYOPATHY, EPISODIC, WITH OR WITHOUT OPTIC ATROPHY AND REVERSIBLE LEUKOENCEPHALOPATHY; MULTIPLE MITOCHONDRIAL DYSFUNCTIONS SYNDROME 8. Identifiers: MedGen C5193223, MONDO:0020714, OMIM 251900.
FDX1L & FDX2-related disorders.
Inborn mitochondrial myopathy. Also called: Mitochondrial myopathy; Mitochondrial Myopathies. Identifiers: Orphanet 206966, MedGen C0162670, MONDO:0009637, HP:0003737.

Submissions (6):

PreventionGenetics, part of Exact Sciences
Classification: Likely pathogenic for FDX2-related condition. Last evaluated: 2025-12-05. Review status: criteria provided, single submitter. Criteria: ACMG Guidelines, 2015. Collection method: clinical testing. Allele origin: germline.
Comment: The FDX2 c.10A>T variant is predicted to result in the amino acid substitution p.Met4Leu. This variant, sometimes described as c.1A>T (p.Met1Leu or p.Met1?) using alternate nomenclature, has been reported in the homozygous state in three individuals affected with FDX2-related disorders (Spiegel et al. 2014. PubMed ID: 24281368; Lebigotet al. 2017. PubMed ID: 28803783; Gkiourtzis et al. 2023. PubMed ID: 37565517). Functional studies suggest this variant impacts protein function (Spiegel et al. 2014. PubMed ID: 24281368). To our knowledge, this variant has not been reported in a large population database (gnomAD), indicating this variant is rare. An alternate nucleotide substitution impacting the same codon, described NM_001031734.3: c.12G>T (p.M4I), has been reported in the homozygous state as a likely pathogenic variant in a patient affected with an FDX2-related disorder (Aggarwal. 2022. PubMed ID: 34905296). Based on the available evidence, this variant is interpreted as likely pathogenic.

Labcorp Genetics (formerly Invitae), Labcorp
Classification: Uncertain significance. Last evaluated: 2024-10-08. Review status: criteria provided, single submitter. Criteria: Invitae Variant Classification Sherloc (09022015). Collection method: clinical testing. Allele origin: germline.
Comment: This sequence change replaces methionine, which is neutral and non-polar, with leucine, which is neutral and non-polar, at codon 4 of the FDX2 protein (p.Met4Leu). This variant is not present in population databases (gnomAD no frequency). This missense change has been observed in individual(s) with mitochondrial myopathy (PMID: 24281368). This variant is also known as c.1A>T. ClinVar contains an entry for this variant (Variation ID: 143059). Experimental studies and prediction algorithms are not available or were not evaluated, and the functional significance of this variant is currently unknown. In summary, the available evidence is currently insufficient to determine the role of this variant in disease. Therefore, it has been classified as a Variant of Uncertain Significance.

Blueprint Genetics
Classification: Pathogenic for FDX1L & FDX2-related disorders. Last evaluated: 2024-10-03. Review status: criteria provided, single submitter. Criteria: ACMG Guidelines, 2015. Collection method: clinical testing. Allele origin: germline. Affected: yes. Observed: 5 variant alleles.

SIB Swiss Institute of Bioinformatics
Classification: Uncertain significance for Mitochondrial myopathy, episodic, with optic atrophy and reversible leukoencephalopathy. Last evaluated: 2019-07-19. Review status: criteria provided, single submitter. Criteria: ACMG Guidelines, 2015. Collection method: curation. Allele origin: unknown.
Comment: This variant is interpreted as a variant of uncertain significance for Mitochondrial myopathy, episodic, with optic atrophy and reversible leukoencephalopathy, autosomal recessive. The following ACMG Tag(s) were applied: PM2, PS3-Supporting.

Laboratory Cellgenetics, GMDL Cellgenetics
Classification: Pathogenic for Mitochondrial myopathy, episodic, with optic atrophy and reversible leukoencephalopathy. Review status: criteria provided, single submitter. Criteria: ACMG Guidelines, 2015. Collection method: clinical testing. Allele origin: unknown. Inheritance: Autosomal recessive inheritance. Affected: yes. Observed: 1 homozygote.

OMIM
Classification: Pathogenic for MITOCHONDRIAL MYOPATHY, EPISODIC, WITHOUT OPTIC ATROPHY AND REVERSIBLE LEUKOENCEPHALOPATHY. Last evaluated: 2014-07-01. Review status: no assertion criteria provided. Collection method: literature only. Allele origin: germline. Not counted in ClinVar's aggregate classification.

Literature cited by the submitters: PubMed 24281368 (cited by 3 submitters).

NM_001397406.1(FDX2):c.1A>T (p.Met1Leu)

Genes: FDX2-ZGLP1 (FDX2-ZGLP1 readthrough (NMD candidate); minus strand), FDX2 (ferredoxin 2; minus strand). Cytogenetic location: 19p13.2.
Variant type: single nucleotide variant.
Coding change: c.1A>T on transcript NM_001397406.1 (MANE Select); coding-DNA position 1, A replaced by T.
Protein change: p.Met1Leu; changes the start codon (methionine 1).
Molecular consequence: missense variant, initiator codon variant.
Genome position (GRCh38, 1-based): chr19:10,315,996, T>A on the plus strand (A>T on the coding strand, the complement: FDX2 is on the minus strand). VCF-style: chr19-10315996-T-A. GRCh37 (hg19) VCF-style: chr19-10426672-T-A.
Other names: M1L; c.10A>T (NM_001031734.3); c.10A>T, p.Met4Leu (NM_001031734.4); short protein forms M4L.
Identifiers: ClinVar variation 143059 (VCV000143059.18), dbSNP rs587777600, ClinGen allele CA232807.